The following is an entry in ClinVar:

ClinVar aggregate classification (germline): Uncertain significance (1 of 4 stars; one submission).

Conditions:
Cardiovascular phenotype. Identifiers: MedGen CN230736.

Allele frequency attached by ClinVar (database versions not stated): gnomAD exomes below 0.00001; TOPMed below 0.00001; gnomAD 0.00001.
gnomAD v4.1: 7 of 1,613,238 alleles (0.00043%); highest among the groups gnomAD compares: Non-Finnish European, 0.00059%; no homozygotes.

Submission:

Ambry Genetics
Classification: Uncertain significance for Cardiovascular phenotype. Last evaluated: 2020-02-12. Review status: criteria provided, single submitter. Criteria: Ambry Variant Classification Scheme 2023. Collection method: clinical testing. Allele origin: germline.
Comment: The p.F14982L variant (also known as c.44944T>C), located in coding exon 153 of the TTN gene, results from a T to C substitution at nucleotide position 44944. The phenylalanine at codon 14982 is replaced by leucine, an amino acid with highly similar properties. This amino acid position is highly conserved in available vertebrate species. In addition, this alteration is predicted to be tolerated by in silico analysis. Since supporting evidence is limited at this time, the clinical significance of this alteration remains unclear.

NM_001267550.2(TTN):c.72139T>C (p.Phe24047Leu)

Genes: TTN (titin; minus strand), TTN-AS1 (TTN antisense RNA 1; plus strand). Cytogenetic location: 2q31.2.
Variant type: single nucleotide variant.
Coding change: c.72139T>C on transcript NM_001267550.2 (MANE Select); coding-DNA position 72139, T replaced by C.
Protein change: p.Phe24047Leu; replaces phenylalanine 24047 with leucine.
Molecular consequence: missense variant.
Genome position (GRCh38, 1-based): chr2:178,573,993, A>G on the plus strand (T>C on the coding strand, the complement: TTN is on the minus strand). VCF-style: chr2-178573993-A-G. GRCh37 (hg19) VCF-style: chr2-179438720-A-G.
Other names: c.67216T>C, p.Phe22406Leu (NM_001256850.1); c.44944T>C, p.Phe14982Leu (NM_003319.4); c.64435T>C, p.Phe21479Leu (NM_133378.4); c.45319T>C, p.Phe15107Leu (NM_133432.3); c.45520T>C, p.Phe15174Leu (NM_133437.4); short protein forms F14982L, F21479L, F22406L, F15107L, F15174L, F24047L.
Identifiers: ClinVar variation 1740985 (VCV001740985.2), dbSNP rs1709172090, ClinGen allele CA349648372.